The following is an entry in ClinVar:

NM_000444.6(PHEX):c.842T>A (p.Ile281Lys)

Gene: PHEX (phosphate regulating endopeptidase X-linked; plus strand). Cytogenetic location: Xp22.11.
Variant type: single nucleotide variant.
Coding change: c.842T>A on transcript NM_000444.6 (MANE Select); coding-DNA position 842, T replaced by A.
Protein change: p.Ile281Lys; replaces isoleucine 281 with lysine.
Molecular consequence: missense variant.
Genome position (GRCh38, 1-based): chrX:22,094,092, T>A. VCF-style: chrX-22094092-T-A. GRCh37 (hg19) VCF-style: chrX-22112210-T-A.
Other names: c.842T>A, p.Ile281Lys (NM_001282754.2); short protein forms I281K.
Identifiers: ClinVar variation 4083383 (VCV004083383.1).
Genomic context (GRCh38, chrX:22,094,092, plus strand): 5'-GAGCTAACAGTTCCAGAGCAGAGCATGACATGAAGTCAGTGCTCAGATTGGAAATTAAGA[T>A]AGCTGAGGTAAGTCTTCACTGAAAATCTCTTTCTTTCCTTTACTTTCTTTTCTTTTCCTT-3'
Protein context (NP_000435.3, residues 271-291): MKSVLRLEIK[Ile281Lys]AEIMIPHENR

ClinVar aggregate classification (germline): Pathogenic (1 of 4 stars; one submission).

Submission:

GeneDx
Classification: Pathogenic. Last evaluated: 2025-03-11. Review status: criteria provided, single submitter. Criteria: GeneDx Variant Classification Process June 2021. Collection method: clinical testing. Allele origin: germline. Affected: yes.
Comment: Published functional studies suggest a damaging effect due to intracellular retention of PHEX protein (PMID: 32329911); Not observed at significant frequency in large population cohorts (gnomAD); In silico analysis supports that this missense variant has a deleterious effect on protein structure/function; This variant is associated with the following publications: (PMID: 30682568, 34806794, 26377240, 32329911)